The following is an entry in ClinVar:

ClinVar aggregate classification (germline): Conflicting classifications of pathogenicity. Review status: criteria provided, conflicting classifications (1 of 4 stars). 8 submissions from 8 submitters: Uncertain significance (1); Benign (4); Likely benign (2). 1 of the submissions does not count toward it. Last evaluated 2026-09-01.

Conditions:
Smith-Lemli-Opitz syndrome (SLOS). Also called: 7-Dehydrocholesterol reductase deficiency; POLYDACTYLY, SEX REVERSAL, RENAL HYPOPLASIA, AND UNILOBAR LUNG; RSH SYNDROME; RUTLEDGE LETHAL MULTIPLE CONGENITAL ANOMALY SYNDROME; LETHAL ACRODYSGENITAL SYNDROME. Identifiers: Orphanet 818, MedGen C0175694, MONDO:0010035, OMIM 270400.
Inborn genetic diseases. Identifiers: MedGen C0950123, MeSH D030342.

Allele frequency attached by ClinVar (database versions not stated): gnomAD 0.00001 and 0.00038; TOPMed 0.00010; gnomAD exomes 0.00069 and 0.00139; ExAC 0.00168; 1000 Genomes Project 30x 0.00281; 1000 Genomes Project 0.00319.

Submissions (8):

CeGaT Center for Human Genetics Tuebingen
Classification: Benign. Last evaluated: 2026-09-01. Review status: criteria provided, single submitter. Criteria: CeGaT Center For Human Genetics Tuebingen Variant Classification Criteria Version 2. Collection method: clinical testing. Allele origin: germline. Affected: yes. Observed: 1 variant allele.
Comment: DHCR7: BS1, BS2

Labcorp Genetics (formerly Invitae), Labcorp
Classification: Benign for Smith-Lemli-Opitz syndrome. Last evaluated: 2026-01-28. Review status: criteria provided, single submitter. Criteria: Invitae Variant Classification Sherloc (09022015). Collection method: clinical testing. Allele origin: germline.

Blueprint Genetics
Classification: Likely benign. Last evaluated: 2024-09-05. Review status: criteria provided, single submitter. Criteria: ACMG Guidelines, 2015. Collection method: clinical testing. Allele origin: germline.

GeneDx
Classification: Benign. Last evaluated: 2020-12-23. Review status: criteria provided, single submitter. Criteria: GeneDx Variant Classification Process June 2021. Collection method: clinical testing. Allele origin: germline. Affected: yes.
Comment: This variant is associated with the following publications: (PMID: 26350204)

Ambry Genetics
Classification: Likely benign for Inborn genetic diseases. Last evaluated: 2019-03-01. Review status: criteria provided, single submitter. Criteria: Ambry Variant Classification Scheme 2023. Collection method: clinical testing. Allele origin: germline.

Eurofins Ntd Llc (ga)
Classification: Benign. Last evaluated: 2017-07-31. Review status: criteria provided, single submitter. Criteria: EGL Classification Definitions 2015. Collection method: clinical testing. Allele origin: germline. Observed: 1 variant allele, 1 heterozygote.

Illumina Laboratory Services, Illumina
Classification: Uncertain significance for Smith-Lemli-Opitz syndrome. Last evaluated: 2017-04-28. Review status: criteria provided, single submitter. Criteria: ICSL Variant Classification Criteria 13 December 2019. Collection method: clinical testing. Allele origin: germline.
Comment: This variant was observed as part of a predisposition screen in an ostensibly healthy population. A literature search was performed for the gene, cDNA change, and amino acid change (where applicable). Publications were found based on this search. However, the evidence from the literature, in combination with allele frequency data from public databases where available, was not sufficient to rule this variant in or out of causing disease. Therefore, this variant is classified as a variant of unknown significance.

Natera, Inc.
Classification: Likely benign for Smith-Lemli-Opitz syndrome. Last evaluated: 2018-04-02. Review status: no assertion criteria provided. Collection method: clinical testing. Allele origin: germline. Not counted in ClinVar's aggregate classification.

Literature cited by the submitters: PubMed 26350204 (cited by Illumina Laboratory Services, Illumina).

NM_001360.3(DHCR7):c.226G>A (p.Val76Ile)

Gene: DHCR7 (7-dehydrocholesterol reductase; minus strand). Cytogenetic location: 11q13.4.
Variant type: single nucleotide variant.
Coding change: c.226G>A on transcript NM_001360.3 (MANE Select); coding-DNA position 226, G replaced by A.
Protein change: p.Val76Ile; replaces valine 76 with isoleucine.
Molecular consequence: missense variant.
Genome position (GRCh38, 1-based): chr11:71,444,088, C>T on the plus strand (G>A on the coding strand, the complement: DHCR7 is on the minus strand). VCF-style: chr11-71444088-C-T. GRCh37 (hg19) VCF-style: chr11-71155134-C-T.
Other names: c.226G>A, p.Val76Ile (NM_001163817.2); short protein forms V76I.
Identifiers: ClinVar variation 588175 (VCV000588175.30), dbSNP rs368473756, ClinGen allele CA6162660.
Genomic context (GRCh38, chr11:71,444,088, plus strand): 5'-CTTTCCTCGTTATAGGTGGAGTCTTGGCCCAGATGTCCGAGAGCCGAGCATGTCCGGTGA[C>T]GATGTCCACCACAGGGCCAGTCAGGGCGCAGCTGTACTGGTCACAAGCCATGATGAAGTA-3'
Protein context (NP_001351.2, residues 66-86): CALTGPVVDI[Val76Ile]TGHARLSDIW